The following is an entry in ClinVar:

NM_000321.3(RB1):c.1695A>C (p.Ser565=)

Gene: RB1 (RB transcriptional corepressor 1; plus strand). Cytogenetic location: 13q14.2.
Variant type: single nucleotide variant.
Coding change: c.1695A>C on transcript NM_000321.3 (MANE Select); coding-DNA position 1695, A replaced by C.
Protein change: p.Ser565=; no amino-acid change (serine 565 retained).
Molecular consequence: synonymous variant.
Genome position (GRCh38, 1-based): chr13:48,381,443, A>C. VCF-style: chr13-48381443-A-C. GRCh37 (hg19) VCF-style: chr13-48955579-A-C.
Identifiers: ClinVar variation 1517514 (VCV001517514.8), dbSNP rs2138145848, ClinGen allele CA483559664.

ClinVar aggregate classification (germline): Uncertain significance (1 of 4 stars; one submission).

Conditions:
Retinoblastoma (RB1). Also called: RETINOBLASTOMA, SOMATIC. Identifiers: Orphanet 790, MedGen C0035335, MeSH D012175, MONDO:0008380, OMIM 180200, HP:0009919. Disease mechanism: loss of function. Inheritance: Both sporadic and heritable forms are tested..

Submission:

Labcorp Genetics (formerly Invitae), Labcorp
Classification: Uncertain significance for Retinoblastoma. Last evaluated: 2021-03-19. Review status: criteria provided, single submitter. Criteria: Invitae Variant Classification Sherloc (09022015). Collection method: clinical testing. Allele origin: germline.
Comment: In summary, the available evidence is currently insufficient to determine the role of this variant in disease. Therefore, it has been classified as a Variant of Uncertain Significance. Algorithms developed to predict the effect of sequence changes on RNA splicing suggest that this variant is not likely to affect RNA splicing, but this prediction has not been confirmed by published transcriptional studies. This variant has not been reported in the literature in individuals with RB1-related conditions. This variant is not present in population databases (ExAC no frequency). This sequence change affects codon 565 of the RB1 mRNA. It is a 'silent' change, meaning that it does not change the encoded amino acid sequence of the RB1 protein. It affects a nucleotide within the consensus splice site of the intron.